The following is an entry in ClinVar:

NM_031935.3(HMCN1):c.8813T>A (p.Ile2938Asn)

Gene: HMCN1 (hemicentin 1; plus strand). Cytogenetic location: 1q31.1.
Variant type: single nucleotide variant.
Coding change: c.8813T>A on transcript NM_031935.3 (MANE Select); coding-DNA position 8813, T replaced by A.
Protein change: p.Ile2938Asn; replaces isoleucine 2938 with asparagine.
Molecular consequence: missense variant.
Genome position (GRCh38, 1-based): chr1:186,082,890, T>A. VCF-style: chr1-186082890-T-A. GRCh37 (hg19) VCF-style: chr1-186052022-T-A.
Other names: short protein forms I2938N.
Identifiers: ClinVar variation 1964611 (VCV001964611.5), dbSNP rs748510163, ClinGen allele CA343915935.

ClinVar aggregate classification (germline): Uncertain significance (1 of 4 stars; one submission).

Allele frequency attached by ClinVar (database versions not stated): gnomAD 0.00001.
gnomAD v4.1: 3 of 1,588,114 alleles (0.00019%); highest among the groups gnomAD compares: African/African-American, 0.004%; no homozygotes.

Submission:

Labcorp Genetics (formerly Invitae), Labcorp
Classification: Uncertain significance. Last evaluated: 2021-11-30. Review status: criteria provided, single submitter. Criteria: Invitae Variant Classification Sherloc (09022015). Collection method: clinical testing. Allele origin: germline.
Comment: This sequence change replaces isoleucine, which is neutral and non-polar, with asparagine, which is neutral and polar, at codon 2938 of the HMCN1 protein (p.Ile2938Asn). In summary, the available evidence is currently insufficient to determine the role of this variant in disease. Therefore, it has been classified as a Variant of Uncertain Significance. Algorithms developed to predict the effect of missense changes on protein structure and function are either unavailable or do not agree on the potential impact of this missense change (SIFT: "Deleterious"; PolyPhen-2: "Possibly Damaging"; Align-GVGD: "Class C0"). This variant has not been reported in the literature in individuals affected with HMCN1-related conditions. This variant is not present in population databases (gnomAD no frequency).